The following is an entry in ClinVar:

ClinVar aggregate classification (germline): Likely benign (1 of 4 stars; one submission).

Conditions:
PCNT-related disorder. Also called: PCNT-related condition.

gnomAD v4.1: 1 of 1,612,614 alleles (0.000062%); highest among the groups gnomAD compares: Admixed American, 0.0017%; no homozygotes.

Submission:

PreventionGenetics, part of Exact Sciences
Classification: Likely benign for PCNT-related condition. Last evaluated: 2026-04-13. Review status: criteria provided, single submitter. Criteria: ACMG Guidelines, 2015. Collection method: clinical testing. Allele origin: germline.
Comment: This variant is classified as likely benign based on ACMG/AMP sequence variant interpretation guidelines (Richards et al. 2015 PMID: 25741868, with internal and published modifications).

NM_006031.6(PCNT):c.6072C>G (p.Thr2024=)

Gene: PCNT (pericentrin; plus strand). Cytogenetic location: 21q22.3.
Variant type: single nucleotide variant.
Coding change: c.6072C>G on transcript NM_006031.6 (MANE Select); coding-DNA position 6072, C replaced by G.
Protein change: p.Thr2024=; no amino-acid change (threonine 2024 retained).
Molecular consequence: synonymous variant.
Genome position (GRCh38, 1-based): chr21:46,412,914, C>G. VCF-style: chr21-46412914-C-G. GRCh37 (hg19) VCF-style: chr21-47832828-C-G.
Other names: c.5718C>G, p.Thr1906= (NM_001315529.2).
Identifiers: ClinVar variation 4989925 (VCV004989925.1).